The following is an entry in ClinVar:

NM_024740.2(ALG9):c.219T>C (p.Ala73=)

Gene: ALG9 (ALG9 alpha-1,2-mannosyltransferase; minus strand). Cytogenetic location: 11q23.1.
Variant type: single nucleotide variant.
Coding change: c.219T>C on transcript NM_024740.2 (MANE Select); coding-DNA position 219, T replaced by C.
Protein change: p.Ala73=; no amino-acid change (alanine 73 retained).
Molecular consequence: synonymous variant. On other transcripts: 5 prime UTR variant (14), non-coding transcript variant (1), intron variant (1).
Genome position (GRCh38, 1-based): chr11:111,870,283, A>G on the plus strand (T>C on the coding strand, the complement: ALG9 is on the minus strand). VCF-style: chr11-111870283-A-G. GRCh37 (hg19) VCF-style: chr11-111741006-A-G.
Other names: c.219T>C, p.Ala73= (NM_001077690.1, NM_001352417.1, NM_001352418.1); c.-295T>C (NM_001077691.2, NM_001077692.2, NM_001352412.2 and 5 more transcripts); c.-299T>C (NM_001352410.1, NM_001352411.2, NM_001352413.1 and 2 more transcripts); c.-513T>C (NM_001352422.2); c.-244+1069T>C (NM_001352409.1).
Identifiers: ClinVar variation 507141 (VCV000507141.4), dbSNP rs782407372, ClinGen allele CA228560550.

ClinVar aggregate classification (germline): Likely benign. Review status: criteria provided, multiple submitters, no conflicts (2 of 4 stars). 2 submissions from 2 submitters: Likely benign (2). Last evaluated 2017-11-06.

Allele frequency attached by ClinVar (database versions not stated): gnomAD 0.00001; gnomAD exomes 0.00001; TOPMed 0.00001.
gnomAD v4.1: 16 of 1,612,306 alleles (0.00099%); highest among the groups gnomAD compares: Non-Finnish European, 0.0014%; no homozygotes.

Submissions (2):

Labcorp Genetics (formerly Invitae), Labcorp
Classification: Likely benign. Last evaluated: 2017-11-06. Review status: criteria provided, single submitter. Criteria: Invitae Variant Classification Sherloc (09022015). Collection method: clinical testing. Allele origin: germline.

GeneDx
Classification: Likely benign. Last evaluated: 2017-02-07. Review status: criteria provided, single submitter. Criteria: GeneDx Variant Classification (06012015). Collection method: clinical testing. Allele origin: germline. Affected: yes.
Comment: This variant is considered likely benign or benign based on one or more of the following criteria: it is a conservative change, it occurs at a poorly conserved position in the protein, it is predicted to be benign by multiple in silico algorithms, and/or has population frequency not consistent with disease.